The following is an entry in ClinVar:

ClinVar aggregate classification (germline): Uncertain significance. Review status: criteria provided, multiple submitters, no conflicts (2 of 4 stars). 2 submissions from 2 submitters: Uncertain significance (2). Last evaluated 2026-01-19.

Conditions:
Hereditary cancer-predisposing syndrome. Also called: Hereditary neoplastic syndrome; Tumor predisposition; Neoplastic Syndromes, Hereditary; Hereditary Cancer Syndrome. Identifiers: Orphanet 140162, MedGen C0027672, MeSH D009386, MONDO:0015356.
Rhabdoid tumor predisposition syndrome 2 (RTPS2). Identifiers: Orphanet 231108, Orphanet 69077, MedGen C2750074, MONDO:0013224, OMIM 613325.

gnomAD v4.1: 1 of 1,614,156 alleles (0.000062%); highest among the groups gnomAD compares: Non-Finnish European, 0.000085%; no homozygotes.

Submissions (2):

Labcorp Genetics (formerly Invitae), Labcorp
Classification: Uncertain significance for Rhabdoid tumor predisposition syndrome 2. Last evaluated: 2026-01-19. Review status: criteria provided, single submitter. Criteria: Invitae Variant Classification Sherloc (09022015). Collection method: clinical testing. Allele origin: germline.
Comment: This sequence change replaces glycine, which is neutral and non-polar, with valine, which is neutral and non-polar, at codon 661 of the SMARCA4 protein (p.Gly661Val). This variant is not present in population databases (gnomAD no frequency). This variant has not been reported in the literature in individuals affected with SMARCA4-related conditions. ClinVar contains an entry for this variant (Variation ID: 571010). Invitae Evidence Modeling of protein sequence and biophysical properties (such as structural, functional, and spatial information, amino acid conservation, physicochemical variation, residue mobility, and thermodynamic stability) has been performed for this missense variant. However, the output from this modeling did not meet the statistical confidence thresholds required to predict the impact of this variant on SMARCA4 protein function. In summary, the available evidence is currently insufficient to determine the role of this variant in disease. Therefore, it has been classified as a Variant of Uncertain Significance.

Ambry Genetics
Classification: Uncertain significance for Hereditary cancer-predisposing syndrome. Last evaluated: 2024-11-06. Review status: criteria provided, single submitter. Criteria: Ambry Variant Classification Scheme 2023. Collection method: clinical testing. Allele origin: germline.
Comment: The p.G661V variant (also known as c.1982G>T), located in coding exon 12 of the SMARCA4 gene, results from a G to T substitution at nucleotide position 1982. The glycine at codon 661 is replaced by valine, an amino acid with dissimilar properties. This amino acid position is conserved. In addition, this alteration is predicted to be tolerated by in silico analysis. Based on the available evidence, the clinical significance of this variant remains unclear.

NM_003072.5(SMARCA4):c.1982G>T (p.Gly661Val)

Gene: SMARCA4 (SWI/SNF related BAF chromatin remodeling complex subunit ATPase 4; plus strand). Cytogenetic location: 19p13.2.
Variant type: single nucleotide variant.
Coding change: c.1982G>T on transcript NM_003072.5 (MANE Select); coding-DNA position 1982, G replaced by T.
Protein change: p.Gly661Val; replaces glycine 661 with valine.
Molecular consequence: missense variant. On other transcripts: non-coding transcript variant (1).
Genome position (GRCh38, 1-based): chr19:11,003,378, G>T. VCF-style: chr19-11003378-G-T. GRCh37 (hg19) VCF-style: chr19-11114054-G-T.
Other names: c.1982G>T, p.Gly661Val (NM_001128844.3, NM_001128845.2, NM_001128846.2 and 5 more transcripts); short protein forms G661V.
Identifiers: ClinVar variation 571010 (VCV000571010.9), dbSNP rs367689657, ClinGen allele CA404052240.